The following is an entry in ClinVar:

ClinVar aggregate classification (germline): Likely benign. Review status: criteria provided, single submitter (1 of 4 stars). 2 submissions from 2 submitters: Likely benign (1). 1 of the submissions does not count toward it. Last evaluated 2025-06-30.

Conditions:
Cyclical neutropenia. Also called: Cyclic hematopoiesis; Cyclic Neutropenia. Identifiers: Orphanet 2686, MedGen C0221023, MONDO:0008090, OMIM 162800, HP:0040289. Disease mechanism: loss of function.
Neutropenia, severe congenital, 1, autosomal dominant. Identifiers: MedGen C1859966, MONDO:0042490, OMIM 202700.
ELANE-related disorder. Also called: ELANE-related condition.

Allele frequency attached by ClinVar (database versions not stated): gnomAD exomes 0.00001 and 0.00008; gnomAD 0.00003; TOPMed 0.00004; ExAC 0.00007.
gnomAD v4.1: 18 of 1,596,206 alleles (0.0011%); highest among the groups gnomAD compares: East Asian, 0.027%; no homozygotes.

Submissions (2):

Labcorp Genetics (formerly Invitae), Labcorp
Classification: Likely benign for Neutropenia, severe congenital, 1, autosomal dominant; Cyclical neutropenia. Last evaluated: 2025-06-30. Review status: criteria provided, single submitter. Criteria: Invitae Variant Classification Sherloc (09022015). Collection method: clinical testing. Allele origin: germline.

PreventionGenetics, part of Exact Sciences
Classification: Likely benign for ELANE-related condition. Last evaluated: 2023-09-25. Review status: no assertion criteria provided. Collection method: clinical testing. Allele origin: germline. Not counted in ClinVar's aggregate classification.
Comment: This variant is classified as likely benign based on ACMG/AMP sequence variant interpretation guidelines (Richards et al. 2015 PMID: 25741868, with internal and published modifications).

NM_001972.4(ELANE):c.100C>T (p.Arg34Trp)

Gene: ELANE (elastase, neutrophil expressed; plus strand). Cytogenetic location: 19p13.3.
Variant type: single nucleotide variant.
Coding change: c.100C>T on transcript NM_001972.4 (MANE Select); coding-DNA position 100, C replaced by T.
Protein change: p.Arg34Trp; replaces arginine 34 with tryptophan.
Molecular consequence: missense variant.
Genome position (GRCh38, 1-based): chr19:852,908, C>T. VCF-style: chr19-852908-C-T. GRCh37 (hg19) VCF-style: chr19-852908-C-T.
Other names: c.100C>T (NM_001972.3); short protein forms R34W.
Identifiers: ClinVar variation 1136280 (VCV001136280.13), dbSNP rs201163886, ClinGen allele CA9025934.
Genomic context (GRCh38, chr19:852,908, plus strand): 5'-TCAGCACCCGCACCCGGTGTGTCCCCAGGCACCGCGCTGGCCTCGGAGATTGTGGGGGGC[C>T]GGCGAGCGCGGCCCCACGCGTGGCCCTTCATGGTGTCCCTGCAGCTGCGCGGAGGCCACT-3'
Protein context (NP_001963.1, residues 24-44): TALASEIVGG[Arg34Trp]RARPHAWPFM